The following is an entry in ClinVar:

ClinVar aggregate classification (germline): Uncertain significance (1 of 4 stars; one submission).

Conditions:
Familial thoracic aortic aneurysm and aortic dissection (TAAD). Also called: Thoracic aortic aneurysms and dissections. Identifiers: Orphanet 91387, MedGen C4707243, MONDO:0019625.

Allele frequency attached by ClinVar (database versions not stated): gnomAD exomes below 0.00001.
gnomAD v4.1: 4 of 1,614,140 alleles (0.00025%); highest among the groups gnomAD compares: Non-Finnish European, 0.00034%; no homozygotes.

Submission:

Color Diagnostics, LLC DBA Color Health
Classification: Uncertain significance for Familial thoracic aortic aneurysm and aortic dissection. Last evaluated: 2018-12-04. Review status: criteria provided, single submitter. Criteria: ACMG Guidelines, 2015. Collection method: clinical testing. Allele origin: germline.
Comment: Variant of Uncertain Significance due to insufficient evidence: This variant is located in the triple-helical region of the COL3A1 protein. Computational prediction tools and conservation analyses suggest that this variant may have deleterious impact on the protein function. Computational splicing tools suggest that this variant may not impact RNA splicing. To our knowledge, functional assays have not been performed for this variant nor has this variant been reported in individuals affected with cardiovascular disorders in the literature. This variant is rare in the general population and has been identified in 0/277264 chromosomes by the Genome Aggregation Database (gnomAD). Available evidence is insufficient to determine the pathogenicity of this variant conclusively.

NM_000090.4(COL3A1):c.1507A>G (p.Lys503Glu)

Gene: COL3A1 (collagen type III alpha 1 chain; plus strand). Cytogenetic location: 2q32.2.
Variant type: single nucleotide variant.
Coding change: c.1507A>G on transcript NM_000090.4 (MANE Select); coding-DNA position 1507, A replaced by G.
Protein change: p.Lys503Glu; replaces lysine 503 with glutamic acid.
Molecular consequence: missense variant.
Genome position (GRCh38, 1-based): chr2:188,995,097, A>G. VCF-style: chr2-188995097-A-G. GRCh37 (hg19) VCF-style: chr2-189859823-A-G.
Other names: short protein forms K503E.
Identifiers: ClinVar variation 918661 (VCV000918661.3), dbSNP rs1688275818, ClinGen allele CA349852067.